The following is an entry in ClinVar:

NM_001374385.1(ATP8B1):c.393+1G>A

Gene: ATP8B1 (ATPase phospholipid transporting 8B1; minus strand). Cytogenetic location: 18q21.31.
Variant type: single nucleotide variant.
Coding change: c.393+1G>A on transcript NM_001374385.1 (MANE Select); the canonical splice donor site of the intron after coding-DNA position 393, G replaced by A.
Molecular consequence: splice donor variant.
Genome position (GRCh38, 1-based): chr18:57,704,554, C>T on the plus strand (G>A on the coding strand, the complement: ATP8B1 is on the minus strand). VCF-style: chr18-57704554-C-T. GRCh37 (hg19) VCF-style: chr18-55371786-C-T.
Other names: c.393+1G>A (NM_005603.6); c.243+1G>A (NM_001374386.1).
Identifiers: ClinVar variation 4846459 (VCV004846459.1).
Genomic context (GRCh38, chr18:57,704,554, plus strand): 5'-CAGCTTAAATGTTATCGAGTCACTATAATTCAAACAGATTTAAGATAGCAAAGGGCATTA[C>T]CTGTAAGATAAGAAGAGCCAGGAAATATAAATTGGCTGCTCTCTTAAACTGCTCAAACAG-3'

ClinVar aggregate classification (germline): Pathogenic (1 of 4 stars; one submission).

Conditions:
Familial intrahepatic cholestasis. Identifiers: Orphanet 284385, MedGen CN296401, MONDO:0017290.

Submission:

Genomenon, Inc
Classification: Pathogenic for Familial intrahepatic cholestasis. Last evaluated: 2026-04-14. Review status: criteria provided, single submitter. Criteria: Genomenon Sequence Variant Interpretation Standards - Updated. Collection method: curation. Allele origin: germline. Affected: yes.
Comment: ATP8B1 c.393+1G>A is a canonical splice variant affecting the donor splice site of intron 4. It is predicted to affect mRNA splicing, leading to a deleterious effect on the ATP8B1 protein. This variant has been observed in at least one proband with features of ATP8B1-deficiency (PMID:34543749). It has been observed in trans with a pathogenic or likely pathogenic variant (PMID:34543749). It is absent or not present at a significant frequency in gnomAD. In conclusion, we classify ATP8B1 c.393+1G>A as a pathogenic variant.

Literature cited by the submitters: PubMed 34543749.